The following is an entry in ClinVar:

ClinVar aggregate classification (germline): Uncertain significance. Review status: criteria provided, multiple submitters, no conflicts (2 of 4 stars). 2 submissions from 2 submitters: Uncertain significance (2). Last evaluated 2024-07-26.

Conditions:
Cardiomyopathy (CMYO). Also called: Cardiomyopathies. Identifiers: Orphanet 167848, MedGen C0878544, MONDO:0004994, HP:0001638. Inheritance: Various modes of inheritance.
Cardiovascular phenotype. Identifiers: MedGen CN230736.

gnomAD v4.1: 14 of 1,613,524 alleles (0.00087%); highest among the groups gnomAD compares: Admixed American, 0.0083%; no homozygotes.

Submissions (2):

Ambry Genetics
Classification: Uncertain significance for Cardiovascular phenotype. Last evaluated: 2024-07-26. Review status: criteria provided, single submitter. Criteria: Ambry Variant Classification Scheme 2023. Collection method: clinical testing. Allele origin: germline.
Comment: The p.V1918I variant (also known as c.5752G>A), located in coding exon 38 of the RYR2 gene, results from a G to A substitution at nucleotide position 5752. The valine at codon 1918 is replaced by isoleucine, an amino acid with highly similar properties. This amino acid position is well conserved in available vertebrate species. In addition, this alteration is predicted to be tolerated by in silico analysis. Based on the available evidence, the clinical significance of this variant remains unclear.

Color Diagnostics, LLC DBA Color Health
Classification: Uncertain significance for Cardiomyopathy. Last evaluated: 2024-02-18. Review status: criteria provided, single submitter. Criteria: ACMG Guidelines, 2015. Collection method: clinical testing. Allele origin: germline.
Comment: This missense variant replaces valine with isoleucine at codon 1918 of the RYR2 protein. Computational prediction suggests that this variant may not impact protein structure and function (internally defined REVEL score threshold <= 0.5, PMID: 27666373). To our knowledge, functional studies have not been reported for this variant. This variant has not been reported in individuals affected with RYR2-related disorders in the literature. This variant has been identified in 5/279592 chromosomes in the general population by the Genome Aggregation Database (gnomAD). The available evidence is insufficient to determine the role of this variant in disease conclusively. Therefore, this variant is classified as a Variant of Uncertain Significance.

NM_001035.3(RYR2):c.5752G>A (p.Val1918Ile)

Gene: RYR2 (ryanodine receptor 2; plus strand). Cytogenetic location: 1q43.
Variant type: single nucleotide variant.
Coding change: c.5752G>A on transcript NM_001035.3 (MANE Select); coding-DNA position 5752, G replaced by A.
Protein change: p.Val1918Ile; replaces valine 1918 with isoleucine.
Molecular consequence: missense variant.
Genome position (GRCh38, 1-based): chr1:237,617,322, G>A. VCF-style: chr1-237617322-G-A. GRCh37 (hg19) VCF-style: chr1-237780622-G-A.
Other names: short protein forms V1918I.
Identifiers: ClinVar variation 3436569 (VCV003436569.2).